The following is an entry in ClinVar:

NM_014712.3(SETD1A):c.1427C>T (p.Thr476Ile)

Gene: SETD1A (SET domain containing 1A, histone lysine methyltransferase; plus strand). Cytogenetic location: 16p11.2.
Variant type: single nucleotide variant.
Coding change: c.1427C>T on transcript NM_014712.3 (MANE Select); coding-DNA position 1427, C replaced by T.
Protein change: p.Thr476Ile; replaces threonine 476 with isoleucine.
Molecular consequence: missense variant.
Genome position (GRCh38, 1-based): chr16:30,965,169, C>T. VCF-style: chr16-30965169-C-T. GRCh37 (hg19) VCF-style: chr16-30976490-C-T.
Other names: short protein forms T476I.
Identifiers: ClinVar variation 1320414 (VCV001320414.4), dbSNP rs2143494231, ClinGen allele CA395654574.

ClinVar aggregate classification (germline): Uncertain significance (1 of 4 stars; one submission).

gnomAD v4.1: 1 of 1,613,906 alleles (0.000062%); highest among the groups gnomAD compares: Non-Finnish European, 0.000085%; no homozygotes.

Submission:

GeneDx
Classification: Uncertain significance. Last evaluated: 2026-07-26. Review status: criteria provided, single submitter. Criteria: GeneDx Variant Classification Process June 2021. Collection method: clinical testing. Allele origin: germline.
Comment: Not observed at significant frequency in large population cohorts (gnomAD); In silico analysis suggests that this missense variant does not alter protein structure/function; Has not been previously published as pathogenic or benign to our knowledge